The following is an entry in ClinVar:

ClinVar aggregate classification (germline): Conflicting classifications of pathogenicity. Review status: criteria provided, conflicting classifications (1 of 4 stars). 2 submissions from 2 submitters: Uncertain significance (1); Likely benign (1). Last evaluated 2026-07-01.

Allele frequency attached by ClinVar (database versions not stated): ExAC 0.00002; gnomAD 0.00003; gnomAD exomes 0.00003; TOPMed 0.00003; ESP Exome Variant Server 0.00008.
gnomAD v4.1: 49 of 1,613,512 alleles (0.003%); highest among the groups gnomAD compares: Non-Finnish European, 0.0039%; no homozygotes.

Submissions (2):

CeGaT Center for Human Genetics Tuebingen
Classification: Likely benign. Last evaluated: 2026-07-01. Review status: criteria provided, single submitter. Criteria: CeGaT Center For Human Genetics Tuebingen Variant Classification Criteria Version 2. Collection method: clinical testing. Allele origin: germline. Affected: yes. Observed: 1 variant allele.
Comment: TCF12: BP4

Labcorp Genetics (formerly Invitae), Labcorp
Classification: Uncertain significance. Last evaluated: 2025-10-03. Review status: criteria provided, single submitter. Criteria: Invitae Variant Classification Sherloc (09022015). Collection method: clinical testing. Allele origin: germline.
Comment: This sequence change replaces asparagine, which is neutral and polar, with serine, which is neutral and polar, at codon 503 of the TCF12 protein (p.Asn503Ser). This variant is present in population databases (rs148437458, gnomAD 0.006%). This variant has not been reported in the literature in individuals affected with TCF12-related conditions. ClinVar contains an entry for this variant (Variation ID: 2756825). Invitae Evidence Modeling of protein sequence and biophysical properties (such as structural, functional, and spatial information, amino acid conservation, physicochemical variation, residue mobility, and thermodynamic stability) indicates that this missense variant is not expected to disrupt TCF12 protein function with a negative predictive value of 80%. In summary, the available evidence is currently insufficient to determine the role of this variant in disease. Therefore, it has been classified as a Variant of Uncertain Significance.

NM_207037.2(TCF12):c.1508A>G (p.Asn503Ser)

Gene: TCF12 (transcription factor 12; plus strand). Cytogenetic location: 15q21.3.
Variant type: single nucleotide variant.
Coding change: c.1508A>G on transcript NM_207037.2 (MANE Select); coding-DNA position 1508, A replaced by G.
Protein change: p.Asn503Ser; replaces asparagine 503 with serine.
Molecular consequence: missense variant.
Genome position (GRCh38, 1-based): chr15:57,262,134, A>G. VCF-style: chr15-57262134-A-G. GRCh37 (hg19) VCF-style: chr15-57554332-A-G.
Other names: c.998A>G, p.Asn333Ser (NM_001306219.3); c.728A>G, p.Asn243Ser (NM_001306220.3); c.1508A>G, p.Asn503Ser (NM_001322151.2, NM_001322152.2, NM_001322159.3 and 2 more transcripts); c.851A>G, p.Asn284Ser (NM_001322154.2); c.1334A>G, p.Asn445Ser (NM_001322156.2); c.1436A>G, p.Asn479Ser (NM_001322157.3, NM_001322165.2, NM_003205.4 and 1 more transcripts); c.1262A>G, p.Asn421Ser (NM_001322158.2); c.1505A>G, p.Asn502Ser (NM_001322161.2); and 2 more; short protein forms N284S, N421S, N502S, N333S, N445S, N243S, N309S, N503S.
Identifiers: ClinVar variation 2756825 (VCV002756825.4), dbSNP rs148437458, ClinGen allele CA7581285.